The following is an entry in ClinVar:

NM_001330700.2(TOP2B):c.82C>T (p.Gln28Ter)

Gene: TOP2B (DNA topoisomerase II beta; minus strand). Cytogenetic location: 3p24.2.
Variant type: single nucleotide variant.
Coding change: c.82C>T on transcript NM_001330700.2 (MANE Select); coding-DNA position 82, C replaced by T.
Protein change: p.Gln28Ter; replaces glutamine 28 with a stop codon.
Molecular consequence: nonsense. On other transcripts: intron variant (1).
Genome position (GRCh38, 1-based): chr3:25,645,458, G>A on the plus strand (C>T on the coding strand, the complement: TOP2B is on the minus strand). VCF-style: chr3-25645458-G-A. GRCh37 (hg19) VCF-style: chr3-25686949-G-A.
Other names: c.70-3C>T (NM_001068.3); short protein forms Q28*.
Identifiers: ClinVar variation 1416714 (VCV001416714.6), dbSNP rs770563756, ClinGen allele CA2288981.

ClinVar aggregate classification (germline): Uncertain significance (1 of 4 stars; one submission).

Allele frequency attached by ClinVar (database versions not stated): ExAC 0.00001; gnomAD 0.00001; gnomAD exomes 0.00001.
gnomAD v4.1: 5 of 1,601,914 alleles (0.00031%); highest among the groups gnomAD compares: East Asian, 0.0067%; no homozygotes.

Submission:

Labcorp Genetics (formerly Invitae), Labcorp
Classification: Uncertain significance. Last evaluated: 2021-09-17. Review status: criteria provided, single submitter. Criteria: Invitae Variant Classification Sherloc (09022015). Collection method: clinical testing. Allele origin: germline.
Comment: This variant is present in population databases (rs770563756, ExAC 0.01%). This sequence change falls in intron 1 of the TOP2B gene. It does not directly change the encoded amino acid sequence of the TOP2B protein. It affects a nucleotide within the consensus splice site of the intron. This variant has not been reported in the literature in individuals affected with TOP2B-related conditions. Variants that disrupt the consensus splice site are a relatively common cause of aberrant splicing (PMID: 17576681, 9536098). Algorithms developed to predict the effect of sequence changes on RNA splicing suggest that this variant is not likely to affect RNA splicing. In summary, the available evidence is currently insufficient to determine the role of this variant in disease. Therefore, it has been classified as a Variant of Uncertain Significance.

Literature cited by the submitters: PubMed 17576681; PubMed 9536098.